The following is an entry in ClinVar:

NM_004612.4(TGFBR1):c.290C>A (p.Thr97Lys)

Gene: TGFBR1 (transforming growth factor beta receptor 1; plus strand). Cytogenetic location: 9q22.33.
Variant type: single nucleotide variant.
Coding change: c.290C>A on transcript NM_004612.4 (MANE Select); coding-DNA position 290, C replaced by A.
Protein change: p.Thr97Lys; replaces threonine 97 with lysine.
Molecular consequence: missense variant.
Genome position (GRCh38, 1-based): chr9:99,129,047, C>A. VCF-style: chr9-99129047-C-A. GRCh37 (hg19) VCF-style: chr9-101891329-C-A.
Other names: c.290C>A, p.Thr97Lys (NM_001130916.3, NM_001306210.2); short protein forms T97K.
Identifiers: ClinVar variation 520228 (VCV000520228.5), dbSNP rs1554698939, ClinGen allele CA374226202.

ClinVar aggregate classification (germline): Uncertain significance (1 of 4 stars; one submission).

Conditions:
Familial thoracic aortic aneurysm and aortic dissection (TAAD). Also called: Thoracic aortic aneurysms and dissections. Identifiers: Orphanet 91387, MedGen C4707243, MONDO:0019625.

Submission:

Ambry Genetics
Classification: Uncertain significance for Familial thoracic aortic aneurysm and aortic dissection. Last evaluated: 2017-09-06. Review status: criteria provided, single submitter. Criteria: Ambry Variant Classification Scheme 2023. Collection method: clinical testing. Allele origin: germline.
Comment: The p.T97K variant (also known as c.290C>A), located in coding exon 2 of the TGFBR1 gene, results from a C to A substitution at nucleotide position 290. The threonine at codon 97 is replaced by lysine, an amino acid with similar properties, and is located in the extracellular domain. This amino acid position is not well conserved in available vertebrate species, and lysine is the reference amino acid in other vertebrate species. In addition, this alteration is predicted to be tolerated by in silico analysis. Since supporting evidence is limited at this time, the clinical significance of this alteration remains unclear.